The following is an entry in ClinVar:

NM_000203.5(IDUA):c.1727+4C>T

Gene: IDUA (alpha-L-iduronidase; plus strand). Cytogenetic location: 4p16.3.
Variant type: single nucleotide variant.
Coding change: c.1727+4C>T on transcript NM_000203.5 (MANE Select); 4 bases into the intron after coding-DNA position 1727, C replaced by T.
Molecular consequence: intron variant. On other transcripts: non-coding transcript variant (1).
Genome position (GRCh38, 1-based): chr4:1,003,629, C>T. VCF-style: chr4-1003629-C-T. GRCh37 (hg19) VCF-style: chr4-997417-C-T.
Other names: c.1331+4C>T (NM_001363576.1); c.1727+4C>T (NM_000203.4).
Identifiers: ClinVar variation 554593 (VCV000554593.3), dbSNP rs1202966289, ClinGen allele CA549264679.

ClinVar aggregate classification (germline): Pathogenic. Review status: reviewed by expert panel (3 of 4 stars). 4 submissions from 4 submitters: Pathogenic (1). 3 of the submissions do not count toward it. Last evaluated 2026-02-02.

Conditions:
Hurler syndrome. Also called: Gargoylism, Hurler Syndrome; MUCOPOLYSACCHARIDOSIS TYPE IH; Severe MPS I (Hurler Syndrome). Identifiers: Orphanet 93473, MedGen C0086795, MONDO:0011758, OMIM 607014.
Mucopolysaccharidosis type 1. Also called: Mucopolysaccharidosis Type I; IDUA deficiency; MPS I. Identifiers: Orphanet 579, MedGen C0023786, MONDO:0001586.

Allele frequency attached by ClinVar (database versions not stated): gnomAD exomes below 0.00001; gnomAD 0.00002.
gnomAD v4.1: 7 of 1,612,178 alleles (0.00043%); highest among the groups gnomAD compares: Non-Finnish European, 0.00051%; no homozygotes.

Submissions (4):

ClinGen Lysosomal Storage Disorder Variant Curation Expert Panel
Classification: Pathogenic for Mucopolysaccharidosis type 1. Last evaluated: 2026-02-02. Review status: reviewed by expert panel. Criteria: ClinGen LSD ACMG Specifications IDUA V1.2.0. Collection method: curation. Allele origin: germline. Inheritance: Autosomal recessive inheritance.
Comment: The NM_000203.5:c.1727+4C>T variant in IDUA occurs within the canonical splice donor site of intron 13. This variant has been detected in at least one individual with MPS I (Hurler-Scheie phenotype), confirmed biochemically demonstrating a defect of IDUA activity in either leukocytes or a fibroblast cell line, however this publication did not provide sufficient data to meet PP4 (PMID 21394825). This patient is compound heterozygous for c.1727+4C>T and c.152G>A p.Gly51Asp, which is classified as pathogenic by the ClinGen Lysosomal Diseases VCEP (PMID 21394825 phase unconfirmed, 0.5 points; PM3 supporting). The computational splicing predictor SpliceAI gives a score of 0.48 for donor loss, predicting that the variant disrupts the donor splice site of intron 13 of IDUA. The functional relevance of this variant was assessed by one study that carried out reverse transcriptase-polymerase chain reaction (RT-PCR) analysis on mRNA extracted from either lymphocytes or fibroblast cell lines. The predicted effect on the protein was reported to cause alteration of open reading frame and introduction of premature stop codon (p.Leu578ValfsTer14). The effect on splicing is reported as abrogation of intron 12 donor 5’ splice site and activation of alternative 5’ splice site in intron 12 and retention of the first 4 nucleotides of intron 12 (PMID 21394825, PVS1). The highest population minor allele frequency in gnomAD v4.1.0 is 0.000016] (1/62554 alleles) in the European (Finnish) population, which is lower than the ClinGen Lysosomal Diseases VCEP’s threshold for PM2_Supporting (<0.00025), meeting this criterion (PM2_Supporting). There is a ClinVar entry for this variant (Variation ID 554593). In summary, this variant meets the criteria to be classified as pathogenic for MPS I based on the ACMG/AMP criteria applied, as specified by the ClinGen Lysosomal Diseases Variant Curation Expert Panel (Specifications Version 1.2.0): PVS1, PM2_supporting, PM3_supporting. (Classification approved by the ClinGen Lysosomal Diseases Variant Curation Expert Panel on February 2, 2026)

Natera, Inc.
Classification: Likely pathogenic for Mucopolysaccharidosis type I. Last evaluated: 2024-08-06. Review status: criteria provided, single submitter. Criteria: Natera Variant Classification Schema (03/2026). Collection method: clinical testing. Allele origin: germline. Not counted in ClinVar's aggregate classification.
Comment: The c.1727+4C>T variant in IDUA is an intronic variant located outside the canonical splice sites. This variant is rare in the general population with a frequency below the threshold expected for the associated phenotype(s). This variant has been observed in one or more individuals affected with the associated recessive disease, as either homozygous or compound heterozygous with a second variant (PMID: 21394825, 36052356). Functional studies show that this variant may disrupt protein function (PMID: 21394825). Computational prediction algorithms indicate this variant is likely to affect gene or protein function. Given the available evidence, this variant is classified as Likely Pathogenic.

Blueprint Genetics
Classification: Uncertain significance. Last evaluated: 2023-04-03. Review status: criteria provided, single submitter. Criteria: ACMG Guidelines, 2015. Collection method: clinical testing. Allele origin: germline. Not counted in ClinVar's aggregate classification.

Counsyl
Classification: Uncertain significance for Hurler syndrome. Last evaluated: 2017-10-26. Review status: no assertion criteria provided. Collection method: clinical testing. Allele origin: unknown. Not counted in ClinVar's aggregate classification.

Literature cited by the submitters: PubMed 21394825 (cited by Natera, Inc. and Counsyl); PubMed 36052356 (cited by Natera, Inc.).